The following is an entry in ClinVar:

NM_001114753.3(ENG):c.1559T>C (p.Leu520Pro)

Genes: ENG (endoglin; minus strand), LOC102723566 (uncharacterized LOC102723566; plus strand). Cytogenetic location: 9q34.11.
Variant type: single nucleotide variant.
Coding change: c.1559T>C on transcript NM_001114753.3 (MANE Select); coding-DNA position 1559, T replaced by C.
Protein change: p.Leu520Pro; replaces leucine 520 with proline.
Molecular consequence: missense variant.
Genome position (GRCh38, 1-based): chr9:127,818,247, A>G on the plus strand (T>C on the coding strand, the complement: ENG is on the minus strand). VCF-style: chr9-127818247-A-G. GRCh37 (hg19) VCF-style: chr9-130580526-A-G.
Other names: c.1559T>C (NM_001114753.1); c.1559T>C, p.Leu520Pro (NM_000118.4); c.1013T>C, p.Leu338Pro (NM_001278138.2); short protein forms L338P, L520P.
Identifiers: ClinVar variation 1492651 (VCV001492651.11), dbSNP rs2131875808, ClinGen allele CA374975563.

ClinVar aggregate classification (germline): Likely pathogenic. Review status: criteria provided, multiple submitters, no conflicts (2 of 4 stars). 3 submissions from 3 submitters: Likely pathogenic (3). Last evaluated 2024-09-06.

Conditions:
Telangiectasia, hereditary hemorrhagic, type 1 (HHT1). Also called: Osler Weber Rendu syndrome type 1; ENG-Related Hereditary Hemorrhagic Telangiectasia. Identifiers: Orphanet 774, MedGen C4551861, MONDO:0008535, OMIM 187300. Disease mechanism: loss of function.
Hereditary hemorrhagic telangiectasia (HHT). Also called: ORW DISEASE; Osler Weber Rendu syndrome; OSLER-RENDU-WEBER DISEASE; Osler hemorrhagic telangiectasia syndrome. Identifiers: Orphanet 774, MedGen C0039445, MONDO:0019180. Disease mechanism: loss of function.
Cardiovascular phenotype. Identifiers: MedGen CN230736.

Allele frequency attached by ClinVar (database versions not stated): gnomAD exomes below 0.00001.

Submissions (3):

Ambry Genetics
Classification: Likely pathogenic for Cardiovascular phenotype. Last evaluated: 2024-09-06. Review status: criteria provided, single submitter. Criteria: Ambry Variant Classification Scheme 2023. Collection method: clinical testing. Allele origin: germline.
Comment: The p.L520P variant (also known as c.1559T>C), located in coding exon 12 of the ENG gene, results from a T to C substitution at nucleotide position 1559. The leucine at codon 520 is replaced by proline, an amino acid with similar properties. This variant has been detected in individuals with features consistent with hereditary hemorrhagic telangiectasia (external communication). This variant is considered to be rare based on population cohorts in the Genome Aggregation Database (gnomAD). This amino acid position is well conserved in available vertebrate species. In addition, this alteration is predicted to be deleterious by in silico analysis. Based on the majority of available evidence to date, this variant is likely to be pathogenic.

Labcorp Genetics (formerly Invitae), Labcorp
Classification: Likely pathogenic for Hereditary hemorrhagic telangiectasia. Last evaluated: 2023-09-08. Review status: criteria provided, single submitter. Criteria: Invitae Variant Classification Sherloc (09022015). Collection method: clinical testing. Allele origin: germline.
Comment: Advanced modeling of protein sequence and biophysical properties (such as structural, functional, and spatial information, amino acid conservation, physicochemical variation, residue mobility, and thermodynamic stability) performed at Invitae indicates that this missense variant is expected to disrupt ENG protein function. In summary, the currently available evidence indicates that the variant is pathogenic, but additional data are needed to prove that conclusively. Therefore, this variant has been classified as Likely Pathogenic. ClinVar contains an entry for this variant (Variation ID: 1492651). This missense change has been observed in individual(s) with clinical features of hereditary hemorrhagic telangiectasia (Invitae). This variant is not present in population databases (gnomAD no frequency). This sequence change replaces leucine, which is neutral and non-polar, with proline, which is neutral and non-polar, at codon 520 of the ENG protein (p.Leu520Pro).

Impact Genetics, Dynacare/LabCorp
Classification: Likely pathogenic for Telangiectasia, hereditary hemorrhagic, type 1. Last evaluated: 2023-06-05. Review status: criteria provided, single submitter. Criteria: DeMille et al. (Hum Mutat. 2024). Collection method: clinical testing. Allele origin: germline.
Comment: PS4, PP3, PM2_supportive